The following is an entry in ClinVar:

ClinVar aggregate classification (germline): Uncertain significance (1 of 4 stars; one submission).

Conditions:
Pyridoxine-dependent epilepsy (EPEO4). Also called: Pyridoxine-Dependent Epilepsy - ALDH7A1; EPILEPSY, EARLY-ONSET, 4, VITAMIN B6-DEPENDENT; PYRIDOXINE DEPENDENCY WITH SEIZURES; Pyridoxine-Dependent Seizures. Identifiers: Orphanet 3006, MedGen C1849508, MONDO:0009945, OMIM 266100. Disease mechanism: loss of function.

Submission:

Labcorp Genetics (formerly Invitae), Labcorp
Classification: Uncertain significance for Pyridoxine-dependent epilepsy. Last evaluated: 2022-03-15. Review status: criteria provided, single submitter. Criteria: Invitae Variant Classification Sherloc (09022015). Collection method: clinical testing. Allele origin: germline.
Comment: In summary, the available evidence is currently insufficient to determine the role of this variant in disease. Therefore, it has been classified as a Variant of Uncertain Significance. This variant has not been reported in the literature in individuals affected with ALDH7A1-related conditions. This variant results in a copy number gain of the genomic region encompassing exon(s) 7 of the ALDH7A1 gene. While the exact position of this variant cannot be determined from the data, sub-genic copy number gains are generally in tandem (PMID: 25640679). This variant is predicted to be in-frame, and likely preserves the integrity of the reading frame.

Literature cited by the submitters: PubMed 25640679.

NC_000005.10:g.(?_126575400)_(126575484_?)dup

Gene: ALDH7A1 (aldehyde dehydrogenase 7 family member A1; minus strand). Cytogenetic location: 5q23.2.
Variant type: Duplication.
Identifiers: ClinVar variation 832610 (VCV000832610.8).